The following is an entry in ClinVar:

NM_001014342.3(FLG2):c.3510G>A (p.Glu1170=)

Genes: FLG2 (filaggrin 2; minus strand), CCDST (cervical cancer associated DHX9 suppressive transcript; plus strand). Cytogenetic location: 1q21.3.
Variant type: single nucleotide variant.
Coding change: c.3510G>A on transcript NM_001014342.3 (MANE Select); coding-DNA position 3510, G replaced by A.
Protein change: p.Glu1170=; no amino-acid change (glutamic acid 1170 retained).
Molecular consequence: synonymous variant.
Genome position (GRCh38, 1-based): chr1:152,354,276, C>T on the plus strand (G>A on the coding strand, the complement: FLG2 is on the minus strand). VCF-style: chr1-152354276-C-T. GRCh37 (hg19) VCF-style: chr1-152326752-C-T.
Identifiers: ClinVar variation 2639336 (VCV002639336.24), dbSNP rs965613280, ClinGen allele CA30604244.

ClinVar aggregate classification (germline): Likely benign (1 of 4 stars; one submission).

Allele frequency attached by ClinVar (database versions not stated): gnomAD 0.00001; gnomAD exomes 0.00002; TOPMed 0.00002.
gnomAD v4.1: 27 of 1,613,916 alleles (0.0017%); highest among the groups gnomAD compares: Non-Finnish European, 0.0023%; no homozygotes.

Submission:

CeGaT Center for Human Genetics Tuebingen
Classification: Likely benign. Last evaluated: 2023-02-01. Review status: criteria provided, single submitter. Criteria: CeGaT Center For Human Genetics Tuebingen Variant Classification Criteria Version 2. Collection method: clinical testing. Allele origin: germline. Affected: yes. Observed: 1 variant allele.
Comment: FLG2: BP4, BP7